The following is an entry in ClinVar:

NM_015693.4(INTU):c.380G>A (p.Arg127His)

Gene: INTU (inturned planar cell polarity protein; plus strand). Cytogenetic location: 4q28.1.
Variant type: single nucleotide variant.
Coding change: c.380G>A on transcript NM_015693.4 (MANE Select); coding-DNA position 380, G replaced by A.
Protein change: p.Arg127His; replaces arginine 127 with histidine.
Molecular consequence: missense variant.
Genome position (GRCh38, 1-based): chr4:127,643,754, G>A. VCF-style: chr4-127643754-G-A. GRCh37 (hg19) VCF-style: chr4-128564909-G-A.
Other names: short protein forms R127H.
Identifiers: ClinVar variation 2416564 (VCV002416564.7), dbSNP rs139145791, ClinGen allele CA3074775.

ClinVar aggregate classification (germline): Uncertain significance (1 of 4 stars; one submission).

Allele frequency attached by ClinVar (database versions not stated): TOPMed 0.00034; gnomAD 0.00036; ESP Exome Variant Server 0.00046.
gnomAD v4.1: 98 of 1,612,800 alleles (0.0061%); highest among the groups gnomAD compares: African/African-American, 0.096%; no homozygotes.

Submission:

Labcorp Genetics (formerly Invitae), Labcorp
Classification: Uncertain significance. Last evaluated: 2025-09-15. Review status: criteria provided, single submitter. Criteria: Invitae Variant Classification Sherloc (09022015). Collection method: clinical testing. Allele origin: germline.
Comment: This sequence change replaces arginine, which is basic and polar, with histidine, which is basic and polar, at codon 127 of the INTU protein (p.Arg127His). This variant is present in population databases (rs139145791, gnomAD 0.1%), and has an allele count higher than expected for a pathogenic variant. This variant has not been reported in the literature in individuals affected with INTU-related conditions. ClinVar contains an entry for this variant (Variation ID: 2416564). Invitae Evidence Modeling of protein sequence and biophysical properties (such as structural, functional, and spatial information, amino acid conservation, physicochemical variation, residue mobility, and thermodynamic stability) indicates that this missense variant is not expected to disrupt INTU protein function with a negative predictive value of 80%. In summary, the available evidence is currently insufficient to determine the role of this variant in disease. Therefore, it has been classified as a Variant of Uncertain Significance.